The following is an entry in ClinVar:

NM_024747.6(HPS6):c.2044C>T (p.Arg682Cys)

Gene: HPS6 (HPS6 biogenesis of lysosomal organelles complex 2 subunit 3; plus strand). Cytogenetic location: 10q24.32.
Variant type: single nucleotide variant.
Coding change: c.2044C>T on transcript NM_024747.6 (MANE Select); coding-DNA position 2044, C replaced by T.
Protein change: p.Arg682Cys; replaces arginine 682 with cysteine.
Molecular consequence: missense variant.
Genome position (GRCh38, 1-based): chr10:102,067,518, C>T. VCF-style: chr10-102067518-C-T. GRCh37 (hg19) VCF-style: chr10-103827275-C-T.
Other names: c.2044C>T (NM_024747.5); short protein forms R682C.
Identifiers: ClinVar variation 1369793 (VCV001369793.7), dbSNP rs749139864, ClinGen allele CA5660092.

ClinVar aggregate classification (germline): Uncertain significance. Review status: criteria provided, multiple submitters, no conflicts (2 of 4 stars). 2 submissions from 2 submitters: Uncertain significance (2). Last evaluated 2022-07-26.

Conditions:
Hermansky-Pudlak syndrome 6 (HPS6). Identifiers: Orphanet 231512, Orphanet 79430, MedGen C3888007, MONDO:0013558, OMIM 614075.

Allele frequency attached by ClinVar (database versions not stated): gnomAD 0.00002; TOPMed 0.00005.

Submissions (2):

Labcorp Genetics (formerly Invitae), Labcorp
Classification: Uncertain significance. Last evaluated: 2022-07-26. Review status: criteria provided, single submitter. Criteria: Invitae Variant Classification Sherloc (09022015). Collection method: clinical testing. Allele origin: germline.
Comment: This sequence change replaces arginine, which is basic and polar, with cysteine, which is neutral and slightly polar, at codon 682 of the HPS6 protein (p.Arg682Cys). This variant is present in population databases (rs749139864, gnomAD 0.01%). This variant has not been reported in the literature in individuals affected with HPS6-related conditions. ClinVar contains an entry for this variant (Variation ID: 1369793). Algorithms developed to predict the effect of missense changes on protein structure and function (SIFT, PolyPhen-2, Align-GVGD) all suggest that this variant is likely to be disruptive. In summary, the available evidence is currently insufficient to determine the role of this variant in disease. Therefore, it has been classified as a Variant of Uncertain Significance.

Revvity Omics, Revvity
Classification: Uncertain significance for Hermansky-Pudlak syndrome 6. Last evaluated: 2019-04-10. Review status: criteria provided, single submitter. Criteria: ACMG Guidelines, 2015. Collection method: clinical testing. Allele origin: germline.